The following is an entry in ClinVar:

ClinVar aggregate classification (germline): Uncertain significance (1 of 4 stars; one submission).

Conditions:
Psoriasis 2. Identifiers: MedGen C1864497, MONDO:0011269, OMIM 602723.
Pityriasis rubra pilaris (PRP). Also called: Pityriasis rubra pilaris--familial type. Identifiers: Orphanet 2897, MedGen C0032027, MONDO:0100017, OMIM 173200, MONDO:0008251.

Allele frequency attached by ClinVar (database versions not stated): gnomAD exomes 0.00002; gnomAD 0.00003 and 0.00004; TOPMed 0.00003.
gnomAD v4.1: 40 of 1,583,558 alleles (0.0025%); highest among the groups gnomAD compares: Non-Finnish European, 0.0028%; no homozygotes.

Submission:

Labcorp Genetics (formerly Invitae), Labcorp
Classification: Uncertain significance for Pityriasis rubra pilaris; Psoriasis 2. Last evaluated: 2024-12-23. Review status: criteria provided, single submitter. Criteria: Invitae Variant Classification Sherloc (09022015). Collection method: clinical testing. Allele origin: germline.
Comment: This sequence change replaces arginine, which is basic and polar, with histidine, which is basic and polar, at codon 32 of the CARD14 protein (p.Arg32His). The frequency data for this variant in the population databases is considered unreliable, as metrics indicate poor data quality at this position in the gnomAD database. This variant has not been reported in the literature in individuals affected with CARD14-related conditions. ClinVar contains an entry for this variant (Variation ID: 1490536). Invitae Evidence Modeling of protein sequence and biophysical properties (such as structural, functional, and spatial information, amino acid conservation, physicochemical variation, residue mobility, and thermodynamic stability) indicates that this missense variant is not expected to disrupt CARD14 protein function with a negative predictive value of 95%. In summary, the available evidence is currently insufficient to determine the role of this variant in disease. Therefore, it has been classified as a Variant of Uncertain Significance.

NM_001366385.1(CARD14):c.95G>A (p.Arg32His)

Gene: CARD14 (caspase recruitment domain family member 14; plus strand). Cytogenetic location: 17q25.3.
Variant type: single nucleotide variant.
Coding change: c.95G>A on transcript NM_001366385.1 (MANE Select); coding-DNA position 95, G replaced by A.
Protein change: p.Arg32His; replaces arginine 32 with histidine.
Molecular consequence: missense variant. On other transcripts: non-coding transcript variant (1).
Genome position (GRCh38, 1-based): chr17:80,181,533, G>A. VCF-style: chr17-80181533-G-A. GRCh37 (hg19) VCF-style: chr17-78155332-G-A.
Other names: c.95G>A, p.Arg32His (NM_001257970.1, NM_024110.4); short protein forms R32H.
Identifiers: ClinVar variation 1490536 (VCV001490536.8), dbSNP rs919076101, ClinGen allele CA294905026.